The following is an entry in ClinVar:

ClinVar aggregate classification (germline): Uncertain significance (1 of 4 stars; one submission).

Submission:

Labcorp Genetics (formerly Invitae), Labcorp
Classification: Uncertain significance. Last evaluated: 2022-05-03. Review status: criteria provided, single submitter. Criteria: Invitae Variant Classification Sherloc (09022015). Collection method: clinical testing. Allele origin: germline.
Comment: Algorithms developed to predict the effect of missense changes on protein structure and function are either unavailable or do not agree on the potential impact of this missense change (SIFT: "Deleterious"; PolyPhen-2: "Benign"; Align-GVGD: "Class C0"). In summary, the available evidence is currently insufficient to determine the role of this variant in disease. Therefore, it has been classified as a Variant of Uncertain Significance. This variant is not present in population databases (gnomAD no frequency). This sequence change replaces arginine, which is basic and polar, with glycine, which is neutral and non-polar, at codon 1026 of the AEBP1 protein (p.Arg1026Gly). This variant has not been reported in the literature in individuals affected with AEBP1-related conditions.

NM_001129.5(AEBP1):c.3076C>G (p.Arg1026Gly)

Gene: AEBP1 (AE binding protein 1; plus strand). Cytogenetic location: 7p13.
Variant type: single nucleotide variant.
Coding change: c.3076C>G on transcript NM_001129.5 (MANE Select); coding-DNA position 3076, C replaced by G.
Protein change: p.Arg1026Gly; replaces arginine 1026 with glycine.
Molecular consequence: missense variant.
Genome position (GRCh38, 1-based): chr7:44,113,860, C>G. VCF-style: chr7-44113860-C-G. GRCh37 (hg19) VCF-style: chr7-44153459-C-G.
Other names: short protein forms R1026G.
Identifiers: ClinVar variation 1918461 (VCV001918461.5), dbSNP rs1447611514, ClinGen allele CA367374350.
Genomic context (GRCh38, chr7:44,113,860, plus strand): 5'-GACCCATCGCGCCCTATGACCCCCCAACAGCGACGCCTGCAGCAGCGACGCCTACAACAC[C>G]GCCTGCGGCTTCGGGCACAGATGCGGCTGCGGCGCCTCAACGCCACCACCACCCTAGGCC-3'
Protein context (NP_001120.3, residues 1016-1036): RRLQQRRLQH[Arg1026Gly]LRLRAQMRLR